The following is an entry in ClinVar:

ClinVar aggregate classification (germline): Uncertain significance. Review status: criteria provided, single submitter (1 of 4 stars). 2 submissions from 2 submitters: Uncertain significance (1). 1 of the submissions does not count toward it. Last evaluated 2023-02-07.

Conditions:
Inborn genetic diseases. Identifiers: MedGen C0950123, MeSH D030342.
NEK9-related disorder. Also called: NEK9-related condition.

Allele frequency attached by ClinVar (database versions not stated): ESP Exome Variant Server 0.00008.
gnomAD v4.1: 22 of 1,614,066 alleles (0.0014%); highest among the groups gnomAD compares: African/African-American, 0.015%; no homozygotes.

Submissions (2):

Ambry Genetics
Classification: Uncertain significance for Inborn genetic diseases. Last evaluated: 2023-02-07. Review status: criteria provided, single submitter. Criteria: Ambry Variant Classification Scheme 2023. Collection method: clinical testing. Allele origin: germline.

PreventionGenetics, part of Exact Sciences
Classification: Uncertain significance for NEK9-related condition. Last evaluated: 2024-05-14. Review status: no assertion criteria provided. Collection method: clinical testing. Allele origin: germline. Not counted in ClinVar's aggregate classification.
Comment: The NEK9 c.2881G>A variant is predicted to result in the amino acid substitution p.Asp961Asn. To our knowledge, this variant has not been reported in the literature. This variant is reported in 0.040% of alleles in individuals of African descent in gnomAD. At this time, the clinical significance of this variant is uncertain due to the absence of conclusive functional and genetic evidence.

NM_033116.6(NEK9):c.2881G>A (p.Asp961Asn)

Gene: NEK9 (NIMA related kinase 9; minus strand). Cytogenetic location: 14q24.3.
Variant type: single nucleotide variant.
Coding change: c.2881G>A on transcript NM_033116.6 (MANE Select); coding-DNA position 2881, G replaced by A.
Protein change: p.Asp961Asn; replaces aspartic acid 961 with asparagine.
Molecular consequence: missense variant.
Genome position (GRCh38, 1-based): chr14:75,084,623, C>T on the plus strand (G>A on the coding strand, the complement: NEK9 is on the minus strand). VCF-style: chr14-75084623-C-T. GRCh37 (hg19) VCF-style: chr14-75551326-C-T.
Other names: c.2917G>A, p.Asp973Asn (NM_001329237.2); c.2527G>A, p.Asp843Asn (NM_001329238.2); c.2881G>A (NM_033116.5); short protein forms D961N, D973N, D843N.
Identifiers: ClinVar variation 2482207 (VCV002482207.3), dbSNP rs377136228, ClinGen allele CA7276557.